The following is an entry in ClinVar:

NM_001377295.2(GNAT2):c.818T>A (p.Leu273His)

Gene: GNAT2 (G protein subunit alpha transducin 2; minus strand). Cytogenetic location: 1p13.3.
Variant type: single nucleotide variant.
Coding change: c.818T>A on transcript NM_001377295.2 (MANE Select); coding-DNA position 818, T replaced by A.
Protein change: p.Leu273His; replaces leucine 273 with histidine.
Molecular consequence: missense variant.
Genome position (GRCh38, 1-based): chr1:109,604,007, A>T on the plus strand (T>A on the coding strand, the complement: GNAT2 is on the minus strand). VCF-style: chr1-109604007-A-T. GRCh37 (hg19) VCF-style: chr1-110146629-A-T.
Other names: c.818T>A, p.Leu273His (NM_001379232.1, NM_005272.5); short protein forms L273H.
Identifiers: ClinVar variation 941593 (VCV000941593.7), dbSNP rs368906691, ClinGen allele CA992308.

ClinVar aggregate classification (germline): Uncertain significance. Review status: criteria provided, multiple submitters, no conflicts (2 of 4 stars). 4 submissions from 4 submitters: Uncertain significance (4). Last evaluated 2025-07-31.

Conditions:
Achromatopsia 4 (ACHM4). Identifiers: Orphanet 49382, MedGen C1841721, MONDO:0013465, OMIM 613856.
Inborn genetic diseases. Identifiers: MedGen C0950123, MeSH D030342.

Allele frequency attached by ClinVar (database versions not stated): gnomAD 0.00003; TOPMed 0.00005; gnomAD exomes 0.00008; ESP Exome Variant Server 0.00015.
gnomAD v4.1: 115 of 1,609,392 alleles (0.0071%); highest among the groups gnomAD compares: Non-Finnish European, 0.0094%; no homozygotes.

Submissions (4):

Ambry Genetics
Classification: Uncertain significance for Inborn genetic diseases. Last evaluated: 2025-07-31. Review status: criteria provided, single submitter. Criteria: Ambry Variant Classification Scheme 2023. Collection method: clinical testing. Allele origin: germline.

Genome-Nilou Lab
Classification: Uncertain significance for Achromatopsia 4. Last evaluated: 2023-04-11. Review status: criteria provided, single submitter. Criteria: ACMG Guidelines, 2015. Collection method: clinical testing. Allele origin: germline. Affected: no.

Labcorp Genetics (formerly Invitae), Labcorp
Classification: Uncertain significance. Last evaluated: 2022-07-19. Review status: criteria provided, single submitter. Criteria: Invitae Variant Classification Sherloc (09022015). Collection method: clinical testing. Allele origin: germline.
Comment: This sequence change replaces leucine, which is neutral and non-polar, with histidine, which is basic and polar, at codon 273 of the GNAT2 protein (p.Leu273His). This variant is present in population databases (rs368906691, gnomAD 0.007%). This variant has not been reported in the literature in individuals affected with GNAT2-related conditions. ClinVar contains an entry for this variant (Variation ID: 941593). Advanced modeling of protein sequence and biophysical properties (such as structural, functional, and spatial information, amino acid conservation, physicochemical variation, residue mobility, and thermodynamic stability) performed at Invitae indicates that this missense variant is expected to disrupt GNAT2 protein function. In summary, the available evidence is currently insufficient to determine the role of this variant in disease. Therefore, it has been classified as a Variant of Uncertain Significance.

Blueprint Genetics
Classification: Uncertain significance. Last evaluated: 2021-08-10. Review status: criteria provided, single submitter. Criteria: ACMG Guidelines, 2015. Collection method: clinical testing. Allele origin: germline.